The following is an entry in ClinVar:

ClinVar aggregate classification (germline): Likely benign. Review status: criteria provided, multiple submitters, no conflicts (2 of 4 stars). 2 submissions from 2 submitters: Likely benign (2). Last evaluated 2025-01-06.

Conditions:
Dilated cardiomyopathy 1G (CMD1G). Identifiers: Orphanet 154, MedGen C1858763, MONDO:0011400, OMIM 604145.
Autosomal recessive limb-girdle muscular dystrophy type 2J (LGMDR10). Also called: Limb-girdle muscular dystrophy, type 2J; MUSCULAR DYSTROPHY, LIMB-GIRDLE, AUTOSOMAL RECESSIVE 10. Identifiers: Orphanet 140922, MedGen C1837342, MONDO:0012127, OMIM 608807.

Submissions (2):

Women's Health and Genetics/Laboratory Corporation of America, LabCorp
Classification: Likely benign. Last evaluated: 2025-01-06. Review status: criteria provided, single submitter. Criteria: LabCorp Variant Classification Summary - May 2015. Collection method: clinical testing. Allele origin: germline.
Comment: Variant summary: TTN c.35243-12_35243-11delGT alters a nucleotide located at a position not widely known to affect splicing. Consensus agreement among computation tools predict no significant impact on normal splicing. However, these predictions have yet to be confirmed by functional studies. The variant allele was found at a frequency of 4e-06 in 248020 control chromosomes. The available data on variant occurrences in the general population are insufficient to allow any conclusion about variant significance. To our knowledge, no occurrence of c.35243-12_35243-11delGT in individuals affected with Dilated Cardiomyopathy and no experimental evidence demonstrating its impact on protein function have been reported. ClinVar contains an entry for this variant (Variation ID: 977727). Based on the evidence outlined above, the variant was classified as likely benign.

Labcorp Genetics (formerly Invitae), Labcorp
Classification: Likely benign for Dilated cardiomyopathy 1G; Autosomal recessive limb-girdle muscular dystrophy type 2J. Last evaluated: 2023-02-23. Review status: criteria provided, single submitter. Criteria: Invitae Variant Classification Sherloc (09022015). Collection method: clinical testing. Allele origin: germline.

NM_001267550.2(TTN):c.42947-12_42947-11del

Gene: TTN (titin; minus strand). Cytogenetic location: 2q31.2.
Variant type: Deletion.
Coding change: c.42947-12_42947-11del on transcript NM_001267550.2 (MANE Select); 12 bases into the intron before coding-DNA position 42947 through 11 bases into the intron before coding-DNA position 42947, 2 bases deleted (GT; older notation c.42947-12_42947-11delGT).
Molecular consequence: intron variant.
Genome position (GRCh38, 1-based): chr2:178,633,337-178,633,338, AC deleted on the plus strand (GT on the coding strand, the reverse complement: TTN is on the minus strand); deleting any 2 consecutive bases within chr2:178,633,337-178,633,339 gives the same sequence; the c. name uses the placement nearest the transcript's 3' end. VCF-style (leftmost placement, unchanged base first): chr2-178633336-TAC-T. GRCh37 (hg19) VCF-style: chr2-179498063-TAC-T.
Other names: c.15752-12_15752-11del (NM_003319.4); c.16328-12_16328-11del (NM_133437.4); c.16127-12_16127-11del (NM_133432.3); c.35243-12_35243-11del (NM_133378.4); c.38024-12_38024-11del (NM_001256850.1); c.35243-12_35243-11delGT (NM_133378.4).
Identifiers: ClinVar variation 977727 (VCV000977727.6), dbSNP rs1352151183, ClinGen allele CA538436007.